The following is an entry in ClinVar:

NM_001365276.2(TNXB):c.3058C>A (p.Pro1020Thr)

Gene: TNXB (tenascin XB; minus strand). Cytogenetic location: 6p21.33.
Variant type: single nucleotide variant.
Coding change: c.3058C>A on transcript NM_001365276.2 (MANE Select); coding-DNA position 3058, C replaced by A.
Protein change: p.Pro1020Thr; replaces proline 1020 with threonine.
Molecular consequence: missense variant.
Genome position (GRCh38, 1-based): chr6:32,085,840, G>T on the plus strand (C>A on the coding strand, the complement: TNXB is on the minus strand). VCF-style: chr6-32085840-G-T. GRCh37 (hg19) VCF-style: chr6-32053617-G-T.
Other names: c.3058C>A, p.Pro1020Thr (NM_019105.8); short protein forms P1020T.
Identifiers: ClinVar variation 1799322 (VCV001799322.3), dbSNP rs765589802, ClinGen allele CA3735261.
Genomic context (GRCh38, chr6:32,085,840, plus strand): 5'-AGGGCTTGCCCCCAGGAGGGACCCCATGAAGTGACAGCTCATACGGGGTTCCAGGAGGGG[G>T]TGGAGGCACCAGAGCCTGGCGGACGTCCCCTGGCAGCACTTCCTCATGTGCCCCCGGCCC-3'
Protein context (NP_001352205.1, residues 1010-1030): GDVRQALVPP[Pro1020Thr]PPGTPYELSL

ClinVar aggregate classification (germline): Uncertain significance (1 of 4 stars; one submission).

Conditions:
Cardiovascular phenotype. Identifiers: MedGen CN230736.

gnomAD v4.1: 6 of 1,606,606 alleles (0.00037%); highest among the groups gnomAD compares: African/African-American, 0.0053%; no homozygotes.

Submission:

Ambry Genetics
Classification: Uncertain significance for Cardiovascular phenotype. Last evaluated: 2024-05-11. Review status: criteria provided, single submitter. Criteria: Ambry Variant Classification Scheme 2023. Collection method: clinical testing. Allele origin: germline.
Comment: The p.P1020T variant (also known as c.3058C>A), located in coding exon 6 of the TNXB gene, results from a C to A substitution at nucleotide position 3058. The proline at codon 1020 is replaced by threonine, an amino acid with highly similar properties. This amino acid position is conserved. In addition, this alteration is predicted to be tolerated by in silico analysis. Since supporting evidence is limited at this time, the clinical significance of this alteration remains unclear.